The following is an entry in ClinVar:

NM_002473.6(MYH9):c.2037+4C>T

Gene: MYH9 (myosin heavy chain 9; minus strand). Cytogenetic location: 22q12.3.
Variant type: single nucleotide variant.
Coding change: c.2037+4C>T on transcript NM_002473.6 (MANE Select); 4 bases into the intron after coding-DNA position 2037, C replaced by T.
Molecular consequence: intron variant.
Genome position (GRCh38, 1-based): chr22:36,306,410, G>A on the plus strand (C>T on the coding strand, the complement: MYH9 is on the minus strand). VCF-style: chr22-36306410-G-A. GRCh37 (hg19) VCF-style: chr22-36702456-G-A.
Identifiers: ClinVar variation 1931791 (VCV001931791.7), dbSNP rs370209073, ClinGen allele CA10210125.

ClinVar aggregate classification (germline): Uncertain significance. Review status: criteria provided, multiple submitters, no conflicts (2 of 4 stars). 2 submissions from 2 submitters: Uncertain significance (2). Last evaluated 2025-07-14.

Conditions:
Macrothrombocytopenia and granulocyte inclusions with or without nephritis or sensorineural hearing loss (MATINS). Also called: MAY-HEGGLIN ANOMALY; DOHLE LEUKOCYTE INCLUSIONS WITH GIANT PLATELETS; BLEEDING DISORDER, PLATELET-TYPE, 6; SEBASTIAN PLATELET SYNDROME; MACROTHROMBOCYTOPENIA WITH DISPERSED LEUKOCYTIC INCLUSIONS; MACROTHROMBOCYTOPENIA, NEPHRITIS, AND DEAFNESS. Identifiers: Orphanet 182050, MedGen C5200934, MONDO:0015912, OMIM 155100.

Allele frequency attached by ClinVar (database versions not stated): gnomAD 0.00001; TOPMed 0.00002; ExAC 0.00003; gnomAD exomes 0.00004; ESP Exome Variant Server 0.00008.
gnomAD v4.1: 65 of 1,613,898 alleles (0.004%); highest among the groups gnomAD compares: Non-Finnish European, 0.0049%; no homozygotes.

Submissions (2):

Labcorp Genetics (formerly Invitae), Labcorp
Classification: Uncertain significance. Last evaluated: 2025-07-14. Review status: criteria provided, single submitter. Criteria: Invitae Variant Classification Sherloc (09022015). Collection method: clinical testing. Allele origin: germline.
Comment: This sequence change falls in intron 16 of the MYH9 gene. It does not directly change the encoded amino acid sequence of the MYH9 protein. It affects a nucleotide within the consensus splice site. This variant is present in population databases (rs370209073, gnomAD 0.005%). This variant has not been reported in the literature in individuals affected with MYH9-related conditions. ClinVar contains an entry for this variant (Variation ID: 1931791). Variants that disrupt the consensus splice site are a relatively common cause of aberrant splicing (PMID: 17576681, 9536098). Algorithms developed to predict the effect of sequence changes on RNA splicing suggest that this variant is not likely to affect RNA splicing. In summary, the available evidence is currently insufficient to determine the role of this variant in disease. Therefore, it has been classified as a Variant of Uncertain Significance.

Genomic Medicine Center of Excellence, King Faisal Specialist Hospital and Research Centre
Classification: Uncertain significance for Macrothrombocytopenia and granulocyte inclusions with or without nephritis or sensorineural hearing loss. Last evaluated: 2024-03-25. Review status: criteria provided, single submitter. Criteria: ACMG Guidelines, 2015. Collection method: research. Allele origin: germline.

Literature cited by the submitters: PubMed 17576681 (cited by Labcorp Genetics (formerly Invitae), Labcorp); PubMed 9536098 (cited by Labcorp Genetics (formerly Invitae), Labcorp).